The following is an entry in ClinVar:

NM_020745.4(AARS2):c.1300+9G>T

Gene: AARS2 (alanyl-tRNA synthetase 2, mitochondrial; minus strand). Cytogenetic location: 6p21.1.
Variant type: single nucleotide variant.
Coding change: c.1300+9G>T on transcript NM_020745.4 (MANE Select); 9 bases into the intron after coding-DNA position 1300, G replaced by T.
Molecular consequence: intron variant.
Genome position (GRCh38, 1-based): chr6:44,306,271, C>A on the plus strand (G>T on the coding strand, the complement: AARS2 is on the minus strand). VCF-style: chr6-44306271-C-A. GRCh37 (hg19) VCF-style: chr6-44274008-C-A.
Identifiers: ClinVar variation 741501 (VCV000741501.9), dbSNP rs372864557, ClinGen allele CA3834378.

ClinVar aggregate classification (germline): Likely benign. Review status: criteria provided, single submitter (1 of 4 stars). 2 submissions from 2 submitters: Likely benign (1). 1 of the submissions does not count toward it. Last evaluated 2024-03-02.

Conditions:
AARS2-related disorder. Also called: AARS2-related condition; AARS2-related disorders. Identifiers: MedGen CN381518, MONDO:1060240.

Allele frequency attached by ClinVar (database versions not stated): gnomAD exomes 0.00002 and 0.00007; ExAC 0.00007; ESP Exome Variant Server 0.00008; gnomAD 0.00024 and 0.00025; TOPMed 0.00033.
gnomAD v4.1: 77 of 1,613,848 alleles (0.0048%); highest among the groups gnomAD compares: African/African-American, 0.089%; no homozygotes.

Submissions (2):

Labcorp Genetics (formerly Invitae), Labcorp
Classification: Likely benign. Last evaluated: 2024-03-02. Review status: criteria provided, single submitter. Criteria: Invitae Variant Classification Sherloc (09022015). Collection method: clinical testing. Allele origin: germline.

PreventionGenetics, part of Exact Sciences
Classification: Likely benign for AARS2-related condition. Last evaluated: 2019-08-14. Review status: no assertion criteria provided. Collection method: clinical testing. Allele origin: germline. Not counted in ClinVar's aggregate classification.
Comment: This variant is classified as likely benign based on ACMG/AMP sequence variant interpretation guidelines (Richards et al. 2015 PMID: 25741868, with internal and published modifications).